The following is an entry in ClinVar:

ClinVar aggregate classification (germline): Uncertain significance (1 of 4 stars; one submission).

Conditions:
Kabuki syndrome. Also called: NIIKAWA-KUROKI SYNDROME; Kabuki make-up syndrome. Identifiers: Orphanet 2322, MedGen C0796004, MONDO:0016512.

Allele frequency attached by ClinVar (database versions not stated): ExAC 0.00001.

Submission:

Labcorp Genetics (formerly Invitae), Labcorp
Classification: Uncertain significance for Kabuki syndrome. Last evaluated: 2023-02-09. Review status: criteria provided, single submitter. Criteria: Invitae Variant Classification Sherloc (09022015). Collection method: clinical testing. Allele origin: germline.
Comment: This variant has not been reported in the literature in individuals affected with KMT2D-related conditions. In summary, the available evidence is currently insufficient to determine the role of this variant in disease. Therefore, it has been classified as a Variant of Uncertain Significance. Variants that disrupt the consensus splice site are a relatively common cause of aberrant splicing (PMID: 17576681, 9536098). Algorithms developed to predict the effect of sequence changes on RNA splicing suggest that this variant may disrupt the consensus splice site. Algorithms developed to predict the effect of missense changes on protein structure and function are either unavailable or do not agree on the potential impact of this missense change (SIFT: "Deleterious"; PolyPhen-2: "Possibly Damaging"; Align-GVGD: "Class C0"). This variant is present in population databases (rs773594237, gnomAD 0.007%). This sequence change replaces valine, which is neutral and non-polar, with methionine, which is neutral and non-polar, at codon 1730 of the KMT2D protein (p.Val1730Met). This variant also falls at the last nucleotide of exon 21, which is part of the consensus splice site for this exon.

Literature cited by the submitters: PubMed 17576681; PubMed 9536098.

NM_003482.4(KMT2D):c.5188G>A (p.Val1730Met)

Gene: KMT2D (lysine methyltransferase 2D; minus strand). Cytogenetic location: 12q13.12.
Variant type: single nucleotide variant.
Coding change: c.5188G>A on transcript NM_003482.4 (MANE Select); coding-DNA position 5188, G replaced by A.
Protein change: p.Val1730Met; replaces valine 1730 with methionine.
Molecular consequence: missense variant.
Genome position (GRCh38, 1-based): chr12:49,044,200, C>T on the plus strand (G>A on the coding strand, the complement: KMT2D is on the minus strand). VCF-style: chr12-49044200-C-T. GRCh37 (hg19) VCF-style: chr12-49437983-C-T.
Other names: short protein forms V1730M.
Identifiers: ClinVar variation 3004062 (VCV003004062.3), dbSNP rs773594237, ClinGen allele CA6547607.